The following is an entry in ClinVar:

NM_000059.4(BRCA2):c.8767G>A (p.Glu2923Lys)

Gene: BRCA2 (BRCA2 DNA repair associated; plus strand). Cytogenetic location: 13q13.1.
Variant type: single nucleotide variant.
Coding change: c.8767G>A on transcript NM_000059.4 (MANE Select); coding-DNA position 8767, G replaced by A.
Protein change: p.Glu2923Lys; replaces glutamic acid 2923 with lysine.
Molecular consequence: missense variant.
Genome position (GRCh38, 1-based): chr13:32,379,329, G>A. VCF-style: chr13-32379329-G-A. GRCh37 (hg19) VCF-style: chr13-32953466-G-A.
Other names: short protein forms E2923K.
Identifiers: ClinVar variation 482990 (VCV000482990.19), dbSNP rs1334458965, ClinGen allele CA387755773.

ClinVar aggregate classification (germline): Uncertain significance. Review status: criteria provided, multiple submitters, no conflicts (2 of 4 stars). 6 submissions from 6 submitters: Uncertain significance (6). Last evaluated 2025-06-12.

Conditions:
Hereditary cancer-predisposing syndrome. Also called: Neoplastic Syndromes, Hereditary; Tumor predisposition; Hereditary Cancer Syndrome; Hereditary neoplastic syndrome. Identifiers: Orphanet 140162, MedGen C0027672, MeSH D009386, MONDO:0015356.
Hereditary breast ovarian cancer syndrome. Also called: Hereditary breast and ovarian cancer syndrome; Hereditary breast and ovarian cancer; Hereditary breast and ovarian cancer syndrome (HBOC); Breast and ovarian cancer; Hereditary breast and/or ovarian cancer syndrome; BRCA1- and BRCA2-Associated Hereditary Breast and Ovarian Cancer. Identifiers: Orphanet 145, MedGen C0677776, MeSH D061325, MONDO:0003582. Disease mechanism: loss of function.
Familial cancer of breast. Also called: BREAST CANCER, FAMILIAL; Hereditary breast cancer; hereditary breast carcinoma. Identifiers: Orphanet 227535, MedGen C0346153, MONDO:0016419, OMIM 114480. Disease mechanism: loss of function.

Allele frequency attached by ClinVar (database versions not stated): gnomAD exomes below 0.00001.
gnomAD v4.1: 3 of 1,613,632 alleles (0.00019%); highest among the groups gnomAD compares: Non-Finnish European, 0.00025%; no homozygotes.

Submissions (6):

Ambry Genetics
Classification: Uncertain significance for Hereditary cancer-predisposing syndrome. Last evaluated: 2025-06-12. Review status: criteria provided, single submitter. Criteria: Ambry Variant Classification Scheme 2023. Collection method: clinical testing. Allele origin: germline.
Comment: The p.E2923K variant (also known as c.8767G>A), located in coding exon 21 of the BRCA2 gene, results from a G to A substitution at nucleotide position 8767. The glutamic acid at codon 2923 is replaced by lysine, an amino acid with similar properties. The results from two saturation genome editing-based studies, including a haploid cell-survival assay and a humanized mouse embryonic stem cell line assay of drug response and survival, are discordant for this nucleotide substitution (Huang H et al. Nature. 2025 Feb;638(8050):528-537; Sahu S et al. Nature. 2025 Feb;638(8050):538-545). This amino acid position is not well conserved in available vertebrate species. In addition, the in silico prediction for this alteration is inconclusive. Based on the available evidence, the clinical significance of this variant remains unclear.

Labcorp Genetics (formerly Invitae), Labcorp
Classification: Uncertain significance for Hereditary breast ovarian cancer syndrome. Last evaluated: 2024-06-05. Review status: criteria provided, single submitter. Criteria: Invitae Variant Classification Sherloc (09022015). Collection method: clinical testing. Allele origin: germline.
Comment: This sequence change replaces glutamic acid, which is acidic and polar, with lysine, which is basic and polar, at codon 2923 of the BRCA2 protein (p.Glu2923Lys). This variant is present in population databases (no rsID available, gnomAD 0.0009%). This variant has not been reported in the literature in individuals affected with BRCA2-related conditions. ClinVar contains an entry for this variant (Variation ID: 482990). Advanced modeling of protein sequence and biophysical properties (such as structural, functional, and spatial information, amino acid conservation, physicochemical variation, residue mobility, and thermodynamic stability) performed at Invitae indicates that this missense variant is not expected to disrupt BRCA2 protein function with a negative predictive value of 95%. In summary, the available evidence is currently insufficient to determine the role of this variant in disease. Therefore, it has been classified as a Variant of Uncertain Significance.

Baylor Genetics
Classification: Uncertain significance for Familial cancer of breast. Last evaluated: 2023-10-29. Review status: criteria provided, single submitter. Criteria: ACMG Guidelines, 2015. Collection method: clinical testing. Allele origin: unknown.

GeneDx
Classification: Uncertain significance. Last evaluated: 2022-06-01. Review status: criteria provided, single submitter. Criteria: GeneDx Variant Classification Process June 2021. Collection method: clinical testing. Allele origin: germline. Affected: yes.
Comment: Not observed at significant frequency in large population cohorts (gnomAD); In silico analysis supports that this missense variant does not alter protein structure/function; Has not been previously published as pathogenic or benign to our knowledge; Also known as 8995G>A; This variant is associated with the following publications: (PMID: 12228710)

Women's Health and Genetics/Laboratory Corporation of America, LabCorp
Classification: Uncertain significance. Last evaluated: 2020-03-18. Review status: criteria provided, single submitter. Criteria: LabCorp Variant Classification Summary - May 2015. Collection method: clinical testing. Allele origin: germline.
Comment: Variant summary: BRCA2 c.8767G>A (p.Glu2923Lys) results in a conservative amino acid change in the encoded protein sequence. Four of five in-silico tools predict a benign effect of the variant on protein function. The variant allele was found at a frequency of 4e-06 in 250546 control chromosomes. The available data on variant occurrences in the general population are insufficient to allow any conclusion about variant significance. To our knowledge, no occurrence of c.8767G>A in individuals affected with Hereditary Breast and Ovarian Cancer and no experimental evidence demonstrating its impact on protein function have been reported. Three clinical diagnostic laboratories have submitted clinical-significance assessments for this variant to ClinVar after 2014 without evidence for independent evaluation. All laboratories classified the variant as uncertain significance. Based on the evidence outlined above, the variant was classified as uncertain significance.

Quest Diagnostics Nichols Institute San Juan Capistrano
Classification: Uncertain significance. Last evaluated: 2017-11-26. Review status: criteria provided, single submitter. Criteria: Quest Diagnostics criteria. Collection method: clinical testing. Allele origin: germline.

Literature cited by the submitters: PubMed 39779848 (cited by Ambry Genetics); PubMed 39779857 (cited by Ambry Genetics).